The following is an entry in ClinVar:

ClinVar aggregate classification (germline): Uncertain significance. Review status: criteria provided, single submitter (1 of 4 stars). 2 submissions from 2 submitters: Uncertain significance (1). 1 of the submissions does not count toward it. Last evaluated 2016-09-20.

Conditions:
Cystic fibrosis (CF). Also called: MUCOVISCIDOSIS. Identifiers: Orphanet 586, MedGen C0010674, MONDO:0009061, OMIM 219700. Disease mechanism: loss of function.

gnomAD v4.1: 6 of 1,612,264 alleles (0.00037%); highest among the groups gnomAD compares: South Asian, 0.0066%; no homozygotes.

Submissions (2):

Women's Health and Genetics/Laboratory Corporation of America, LabCorp
Classification: Uncertain significance. Last evaluated: 2016-09-20. Review status: criteria provided, single submitter. Criteria: LabCorp Variant Classification Summary - May 2015. Collection method: clinical testing. Allele origin: germline.
Comment: Variant summary: The CFTR c.610G>T (p.Ala204Ser) variant involves the alteration of a conserved nucleotide. This variant is located in the transmembrane domain of the CFTR protein (InterPro). 3/4 in silico tools predict a benign outcome for this variant. This variant is absent in 121410 control chromosomes from ExAC. The variant of interest has not, to our knowledge, been reported in affected individuals via publications and/or reputable databases/clinical diagnostic laboratories nor was it evaluated for functional impact by in vivo/vitro studies. Another missense change, p.Ala204Thr, affecting the same codon has been reported in a CF patient (PMID: 19017867). Due to the absence of clinical information and lack of functional studies, the variant is currently classified as a variant of uncertain significance (VUS) until additional information becomes available.

Natera, Inc.
Classification: Uncertain significance for Cystic Fibrosis. Last evaluated: 2020-09-16. Review status: no assertion criteria provided. Collection method: clinical testing. Allele origin: germline. Not counted in ClinVar's aggregate classification.

NM_000492.4(CFTR):c.610G>T (p.Ala204Ser)

Gene: CFTR (CF transmembrane conductance regulator; plus strand). Cytogenetic location: 7q31.2.
Variant type: single nucleotide variant.
Coding change: c.610G>T on transcript NM_000492.4 (MANE Select); coding-DNA position 610, G replaced by T.
Protein change: p.Ala204Ser; replaces alanine 204 with serine.
Molecular consequence: missense variant.
Genome position (GRCh38, 1-based): chr7:117,535,278, G>T. VCF-style: chr7-117535278-G-T. GRCh37 (hg19) VCF-style: chr7-117175332-G-T.
Other names: short protein forms A204S.
Identifiers: ClinVar variation 495954 (VCV000495954.2), dbSNP rs748026786, ClinGen allele CA368976813.